The following is an entry in ClinVar:

ClinVar aggregate classification (germline): Likely benign. Review status: criteria provided, multiple submitters, no conflicts (2 of 4 stars). 2 submissions from 2 submitters: Likely benign (2). Last evaluated 2018-01-13.

Conditions:
Donnai-Barrow syndrome. Also called: DBS/FOAR SYNDROME; FACIOOCULOACOUSTICORENAL SYNDROME. Identifiers: Orphanet 2143, MedGen C1857277, MONDO:0009104, OMIM 222448.

Allele frequency attached by ClinVar (database versions not stated): gnomAD 0.00028 and 0.00041; TOPMed 0.00041; gnomAD exomes 0.00064; 1000 Genomes Project 0.00200; 1000 Genomes Project 30x 0.00203.

Submissions (2):

Illumina Laboratory Services, Illumina
Classification: Likely benign for Donnai-Barrow syndrome. Last evaluated: 2018-01-13. Review status: criteria provided, single submitter. Criteria: ICSL Variant Classification Criteria 13 December 2019. Collection method: clinical testing. Allele origin: germline.
Comment: This variant was observed in the ICSL laboratory as part of a predisposition screen in an ostensibly healthy population. It had not been previously curated by ICSL or reported in the Human Gene Mutation Database (HGMD: prior to June 1st, 2018), and was therefore a candidate for classification through an automated scoring system. Utilizing variant allele frequency, disease prevalence and penetrance estimates, and inheritance mode, an automated score was calculated to assess if this variant is too frequent to cause the disease. Based on the score and internal cut-off values, a variant classified as likely benign is not then subjected to further curation. The score for this variant resulted in a classification of likely benign for this disease.

Breakthrough Genomics
Classification: Likely benign. Review status: criteria provided, single submitter. Criteria: ACMG Guidelines, 2015. Collection method: not provided. Allele origin: germline. Inheritance: Autosomal recessive inheritance. Affected: yes.

NM_004525.3(LRP2):c.*158T>C

Gene: LRP2 (LDL receptor related protein 2; minus strand). Cytogenetic location: 2q31.1.
Variant type: single nucleotide variant.
Coding change: c.*158T>C on transcript NM_004525.3 (MANE Select); 158 bases downstream of the stop codon, T replaced by C.
Molecular consequence: 3 prime UTR variant.
Genome position (GRCh38, 1-based): chr2:169,128,505, A>G on the plus strand (T>C on the coding strand, the complement: LRP2 is on the minus strand). VCF-style: chr2-169128505-A-G. GRCh37 (hg19) VCF-style: chr2-169985015-A-G.
Identifiers: ClinVar variation 332064 (VCV000332064.6), dbSNP rs183814447, ClinGen allele CA10611737.
Genomic context (GRCh38, chr2:169,128,505, plus strand): 5'-TCAGTGCAAAGATATACATATAGTACATTGTGATAATTATTTGTAAAAATATGAGACGGC[A>G]TAAGTAAAAAAAGACACACAGGATACCTCCAACTATAGGCAAACAGGGAAAAATATATTT-3'